The following is an entry in ClinVar:

NM_000135.4(FANCA):c.1826+12C>T

Gene: FANCA (FA complementation group A; minus strand). Cytogenetic location: 16q24.3.
Variant type: single nucleotide variant.
Coding change: c.1826+12C>T on transcript NM_000135.4 (MANE Select); 12 bases into the intron after coding-DNA position 1826, C replaced by T.
Molecular consequence: intron variant.
Genome position (GRCh38, 1-based): chr16:89,778,789, G>A on the plus strand (C>T on the coding strand, the complement: FANCA is on the minus strand). VCF-style: chr16-89778789-G-A. GRCh37 (hg19) VCF-style: chr16-89845197-G-A.
Other names: c.1826+12C>T (LRG_495t1, NM_000135.3, NM_001286167.3).
Identifiers: ClinVar variation 210972 (VCV000210972.45), dbSNP rs183513839, ClinGen allele CA209953.

ClinVar aggregate classification (germline): Benign/Likely benign. Review status: criteria provided, multiple submitters, no conflicts (2 of 4 stars). 10 submissions from 10 submitters: Benign (3); Likely benign (7). Last evaluated 2026-09-01.

Conditions:
Fanconi anemia (FA). Also called: Fanconi's anemia. Identifiers: Orphanet 84, MedGen C0015625, MeSH D005199, MONDO:0019391.
Fanconi anemia complementation group A (FANCA). Also called: Fanconi anemia, group A; FANCA-Related Fanconi Anemia. Identifiers: Orphanet 84, MedGen C3469521, MONDO:0009215, OMIM 227650.

Allele frequency attached by ClinVar (database versions not stated): 1000 Genomes Project 30x 0.00375; 1000 Genomes Project 0.00379; gnomAD 0.00514 and 0.00518; TOPMed 0.00518; ESP Exome Variant Server 0.00585; gnomAD exomes 0.00603; ExAC 0.00703.
gnomAD v4.1: 10,596 of 1,613,028 alleles (0.66%); highest among the groups gnomAD compares: Non-Finnish European, 0.74%; 43 homozygotes.

Submissions (10):

CeGaT Center for Human Genetics Tuebingen
Classification: Likely benign. Last evaluated: 2026-09-01. Review status: criteria provided, single submitter. Criteria: CeGaT Center For Human Genetics Tuebingen Variant Classification Criteria Version 2. Collection method: clinical testing. Allele origin: germline. Affected: yes. Observed: 45 variant alleles.
Comment: FANCA: BS2

Labcorp Genetics (formerly Invitae), Labcorp
Classification: Benign for Fanconi anemia. Last evaluated: 2026-02-02. Review status: criteria provided, single submitter. Criteria: Invitae Variant Classification Sherloc (09022015). Collection method: clinical testing. Allele origin: germline.

Blueprint Genetics
Classification: Likely benign. Last evaluated: 2024-11-26. Review status: criteria provided, single submitter. Criteria: ACMG Guidelines, 2015. Collection method: clinical testing. Allele origin: germline.

ARUP Laboratories, Molecular Genetics and Genomics, ARUP Laboratories
Classification: Likely benign for Fanconi anemia complementation group A. Last evaluated: 2024-02-06. Review status: criteria provided, single submitter. Criteria: ARUP Molecular Germline Variant Investigation Process 2024. Collection method: clinical testing. Allele origin: germline.

KCCC/NGS Laboratory, Kuwait Cancer Control Center
Classification: Likely benign for Fanconi anemia complementation group A. Last evaluated: 2023-07-07. Review status: criteria provided, single submitter. Criteria: ACMG Guidelines, 2015. Collection method: clinical testing. Allele origin: germline. Affected: yes.

Sema4
Classification: Benign for Fanconi anemia. Last evaluated: 2021-07-13. Review status: criteria provided, single submitter. Criteria: Sema4 Curation Guidelines. Collection method: curation. Allele origin: germline.

Illumina Laboratory Services, Illumina
Classification: Benign for Fanconi anemia complementation group A. Last evaluated: 2017-04-27. Review status: criteria provided, single submitter. Criteria: ICSL Variant Classification Criteria 13 December 2019. Collection method: clinical testing. Allele origin: germline.
Comment: This variant was observed as part of a predisposition screen in an ostensibly healthy population. A literature search was performed for the gene, cDNA change, and amino acid change (where applicable). Publications were found based on this search. The evidence from the literature, in combination with allele frequency data from public databases where available, was sufficient to rule this variant out of causing disease. Therefore, this variant is classified as benign.

Genetic Services Laboratory, University of Chicago
Classification: Likely benign. Last evaluated: 2015-07-27. Review status: criteria provided, single submitter. Criteria: ACMG Guidelines, 2015. Collection method: clinical testing. Allele origin: germline.

Breakthrough Genomics
Classification: Likely benign. Review status: criteria provided, single submitter. Criteria: ACMG Guidelines, 2015. Collection method: not provided. Allele origin: germline. Inheritance: Autosomal recessive inheritance. Affected: yes.

PreventionGenetics, part of Exact Sciences
Classification: Likely benign. Review status: criteria provided, single submitter. Criteria: ACMG Guidelines, 2015. Collection method: clinical testing. Allele origin: germline.

Literature cited by the submitters: PubMed 15643609 (cited by Illumina Laboratory Services, Illumina).